The following is an entry in ClinVar:

NM_000214.3(JAG1):c.3265T>C (p.Phe1089Leu)

Gene: JAG1 (jagged canonical Notch ligand 1; minus strand). Cytogenetic location: 20p12.2.
Variant type: single nucleotide variant.
Coding change: c.3265T>C on transcript NM_000214.3 (MANE Select); coding-DNA position 3265, T replaced by C.
Protein change: p.Phe1089Leu; replaces phenylalanine 1089 with leucine.
Molecular consequence: missense variant.
Genome position (GRCh38, 1-based): chr20:10,639,890, A>G on the plus strand (T>C on the coding strand, the complement: JAG1 is on the minus strand). VCF-style: chr20-10639890-A-G. GRCh37 (hg19) VCF-style: chr20-10620538-A-G.
Other names: short protein forms F1089L.
Identifiers: ClinVar variation 1729575 (VCV001729575.9), dbSNP rs537450546, ClinGen allele CA311367549.

ClinVar aggregate classification (germline): Uncertain significance. Review status: criteria provided, multiple submitters, no conflicts (2 of 4 stars). 4 submissions from 4 submitters: Uncertain significance (4). Last evaluated 2025-08-31.

Conditions:
Alagille syndrome due to a JAG1 point mutation. Also called: HEPATIC DUCTULAR HYPOPLASIA, SYNDROMATIC; JAG1-Related Alagille Syndrome; Alagille Syndrome 1. Identifiers: Orphanet 261619, Orphanet 52, MedGen C1956125, MONDO:0016862, OMIM 118450.
Deafness, congenital heart defects, and posterior embryotoxon (DCHE). Identifiers: MedGen C1866053, MONDO:0060713, OMIM 617992.
Charcot-Marie-Tooth disease, axonal, Type 2HH. Also called: CHARCOT-MARIE-TOOTH NEUROPATHY, TYPE 2HH. Identifiers: MedGen C5562003, MONDO:0030458, OMIM 619574.
Tetralogy of Fallot (TOF). Identifiers: Orphanet 3303, MedGen C0039685, MONDO:0008542, OMIM 187500, HP:0001636.
JAG1-related disorder. Also called: JAG1-related disorders; JAG1-related condition.
Cardiovascular phenotype. Identifiers: MedGen CN230736.

Allele frequency attached by ClinVar (database versions not stated): gnomAD exomes below 0.00001; gnomAD 0.00001; TOPMed 0.00002.
gnomAD v4.1: 3 of 1,614,218 alleles (0.00019%); highest among the groups gnomAD compares: African/African-American, 0.0027%; no homozygotes.

Submissions (4):

PreventionGenetics, part of Exact Sciences
Classification: Uncertain significance for JAG1-related condition. Last evaluated: 2025-08-31. Review status: criteria provided, single submitter. Criteria: ACMG Guidelines, 2015. Collection method: clinical testing. Allele origin: germline.
Comment: The JAG1 c.3265T>C variant is predicted to result in the amino acid substitution p.Phe1089Leu. To our knowledge, this variant has not been reported in the literature or in a large population database (gnomAD), indicating this variant is rare. At this time, the clinical significance of this variant is uncertain due to the absence of conclusive functional and genetic evidence.

Fulgent Genetics
Classification: Uncertain significance for Alagille syndrome due to a JAG1 point mutation; Tetralogy of Fallot; Deafness, congenital heart defects, and posterior embryotoxon; Charcot-Marie-Tooth disease, axonal, Type 2HH. Last evaluated: 2024-02-27. Review status: criteria provided, single submitter. Criteria: ACMG Guidelines, 2015. Collection method: clinical testing. Allele origin: germline.

Labcorp Genetics (formerly Invitae), Labcorp
Classification: Uncertain significance for Alagille syndrome due to a JAG1 point mutation. Last evaluated: 2022-04-10. Review status: criteria provided, single submitter. Criteria: Invitae Variant Classification Sherloc (09022015). Collection method: clinical testing. Allele origin: germline.
Comment: This sequence change replaces phenylalanine, which is neutral and non-polar, with leucine, which is neutral and non-polar, at codon 1089 of the JAG1 protein (p.Phe1089Leu). This variant is not present in population databases (gnomAD no frequency). This variant has not been reported in the literature in individuals affected with JAG1-related conditions. Advanced modeling of protein sequence and biophysical properties (such as structural, functional, and spatial information, amino acid conservation, physicochemical variation, residue mobility, and thermodynamic stability) performed at Invitae indicates that this missense variant is not expected to disrupt JAG1 protein function. In summary, the available evidence is currently insufficient to determine the role of this variant in disease. Therefore, it has been classified as a Variant of Uncertain Significance.

Ambry Genetics
Classification: Uncertain significance for Cardiovascular phenotype. Last evaluated: 2021-12-23. Review status: criteria provided, single submitter. Criteria: Ambry Variant Classification Scheme 2023. Collection method: clinical testing. Allele origin: germline.
Comment: The p.F1089L variant (also known as c.3265T>C), located in coding exon 26 of the JAG1 gene, results from a T to C substitution at nucleotide position 3265. The phenylalanine at codon 1089 is replaced by leucine, an amino acid with highly similar properties. This amino acid position is conserved. In addition, this alteration is predicted to be tolerated by in silico analysis. Since supporting evidence is limited at this time, the clinical significance of this alteration remains unclear.